The following is an entry in ClinVar:

ClinVar aggregate classification (germline): Uncertain significance (1 of 4 stars; one submission).

Conditions:
Primary dilated cardiomyopathy (DCM). Also called: Dilated Cardiomyopathy. Identifiers: Orphanet 217604, MedGen C0007193, MeSH D002311, MONDO:0005021, HP:0001644. Inheritance: Various modes of inheritance.

Allele frequency attached by ClinVar (database versions not stated): gnomAD exomes 0.00001 and 0.00002; ExAC 0.00002; gnomAD 0.00004 and 0.00005; TOPMed 0.00004; 1000 Genomes Project 30x 0.00016; 1000 Genomes Project 0.00020.

Submission:

Labcorp Genetics (formerly Invitae), Labcorp
Classification: Uncertain significance for Primary dilated cardiomyopathy. Last evaluated: 2026-01-25. Review status: criteria provided, single submitter. Criteria: Invitae Variant Classification Sherloc (09022015). Collection method: clinical testing. Allele origin: germline.
Comment: This sequence change replaces glutamic acid, which is acidic and polar, with lysine, which is basic and polar, at codon 41 of the FHL2 protein (p.Glu41Lys). This variant is present in population databases (rs552625336, gnomAD 0.009%). This variant has not been reported in the literature in individuals affected with FHL2-related conditions. ClinVar contains an entry for this variant (Variation ID: 454290). An algorithm developed to predict the effect of missense changes on protein structure and function (PolyPhen-2) suggests that this variant is likely to be disruptive. In summary, the available evidence is currently insufficient to determine the role of this variant in disease. Therefore, it has been classified as a Variant of Uncertain Significance.

NM_001318895.3(FHL2):c.121G>A (p.Glu41Lys)

Gene: FHL2 (four and a half LIM domains 2; minus strand). Cytogenetic location: 2q12.2.
Variant type: single nucleotide variant.
Coding change: c.121G>A on transcript NM_001318895.3 (MANE Select); coding-DNA position 121, G replaced by A.
Protein change: p.Glu41Lys; replaces glutamic acid 41 with lysine.
Molecular consequence: missense variant. On other transcripts: 5 prime UTR variant (3).
Genome position (GRCh38, 1-based): chr2:105,386,396, C>T on the plus strand (G>A on the coding strand, the complement: FHL2 is on the minus strand). VCF-style: chr2-105386396-C-T. GRCh37 (hg19) VCF-style: chr2-106002853-C-T.
Other names: c.121G>A, p.Glu41Lys (NM_001039492.3, NM_001318894.1, NM_001318896.2 and 4 more transcripts); c.-47G>A (NM_001318897.2, NM_001318898.2); c.-326G>A (NM_001318899.2); short protein forms E41K.
Identifiers: ClinVar variation 454290 (VCV000454290.6), dbSNP rs552625336, ClinGen allele CA1814865.